The following is an entry in ClinVar:

NM_000702.4(ATP1A2):c.564G>A (p.Leu188=)

Genes: ATP1A2 (ATPase Na+/K+ transporting subunit alpha 2; plus strand), LOC126805890 (CDK7 strongly-dependent group 2 enhancer GRCh37_chr1:160093987-160095186; plus strand). Cytogenetic location: 1q23.2.
Variant type: single nucleotide variant.
Coding change: c.564G>A on transcript NM_000702.4 (MANE Select); coding-DNA position 564, G replaced by A.
Protein change: p.Leu188=; no amino-acid change (leucine 188 retained).
Molecular consequence: synonymous variant.
Genome position (GRCh38, 1-based): chr1:160,124,364, G>A. VCF-style: chr1-160124364-G-A. GRCh37 (hg19) VCF-style: chr1-160094154-G-A.
Identifiers: ClinVar variation 4682221 (VCV004682221.1).

ClinVar aggregate classification (germline): Uncertain significance (1 of 4 stars; one submission).

gnomAD v4.1: 2 of 1,612,902 alleles (0.00012%); highest among the groups gnomAD compares: East Asian, 0.0022%; no homozygotes.

Submission:

Athena Diagnostics
Classification: Uncertain significance. Last evaluated: 2024-12-09. Review status: criteria provided, single submitter. Criteria: Athena Diagnostics Criteria. Collection method: clinical testing. Allele origin: unknown.
Comment: Available data are insufficient to determine the clinical significance of the variant at this time. The frequency of this variant in the general population is uninformative in assessment of its pathogenicity. Computational tools yielded predictions that this variant is unlikely to have an effect on normal RNA splicing.